The following is an entry in ClinVar:

ClinVar aggregate classification (germline): Uncertain significance (1 of 4 stars; one submission).

Conditions:
Bloom syndrome (BLM). Also called: Bloom-Torre-Machacek syndrome. Identifiers: Orphanet 125, MedGen C0005859, MONDO:0008876, OMIM 210900.

Submissions (2):

Labcorp Genetics (formerly Invitae), Labcorp
Classification: Uncertain significance for Bloom syndrome. Last evaluated: 2023-10-13. Review status: criteria provided, single submitter. Criteria: Invitae Variant Classification Sherloc (09022015). Collection method: clinical testing. Allele origin: germline.
Comment: This sequence change falls in intron 21 of the BLM gene. It does not directly change the encoded amino acid sequence of the BLM protein. This variant is not present in population databases (gnomAD no frequency). This variant has not been reported in the literature in individuals affected with BLM-related conditions. Studies have shown that this variant is associated with inconclusive levels of altered splicing (Invitae). In summary, the available evidence is currently insufficient to determine the role of this variant in disease. Therefore, it has been classified as a Variant of Uncertain Significance.

Dr. Peter K. Rogan Lab, Western University
No classification provided (evidence only). Condition: Uterine corpus endometrial carcinoma. Review status: no classification provided. Collection method: in vitro. Allele origin: not applicable. Functional consequence: retained intron. Not counted in ClinVar's aggregate classification.

NM_000057.4(BLM):c.4077-8C>G

Gene: BLM (BLM RecQ like helicase; plus strand). Cytogenetic location: 15q26.1.
Variant type: single nucleotide variant.
Coding change: c.4077-8C>G on transcript NM_000057.4 (MANE Select); 8 bases into the intron before coding-DNA position 4077, C replaced by G.
Molecular consequence: intron variant.
Genome position (GRCh38, 1-based): chr15:90,815,094, C>G. VCF-style: chr15-90815094-C-G. GRCh37 (hg19) VCF-style: chr15-91358324-C-G.
Other names: c.4077-8C>G (NM_001287246.2); c.2952-8C>G (NM_001287248.2); c.3684-8C>G (NM_001287247.2).
Identifiers: ClinVar variation 2799177 (VCV002799177.4), dbSNP rs2151202218, ClinGen allele CA2739269778.
Genomic context (GRCh38, chr15:90,815,094, plus strand): 5'-GTTGAGAGGAAGGTCATTCATTTTTGGTTTCATTTAACATTTTGATTTTTTTCTTTGTCA[C>G]ATTTCAGGGGGTCTGCCACATGTAGAAAGATATCTTCCAAAACGAAATCCTCCAGCATCA-3'